The following is an entry in ClinVar:

NM_000393.5(COL5A2):c.382C>T (p.Arg128Cys)

Gene: COL5A2 (collagen type V alpha 2 chain; minus strand). Cytogenetic location: 2q32.2.
Variant type: single nucleotide variant.
Coding change: c.382C>T on transcript NM_000393.5 (MANE Select); coding-DNA position 382, C replaced by T.
Protein change: p.Arg128Cys; replaces arginine 128 with cysteine.
Molecular consequence: missense variant.
Genome position (GRCh38, 1-based): chr2:189,098,747, G>A on the plus strand (C>T on the coding strand, the complement: COL5A2 is on the minus strand). VCF-style: chr2-189098747-G-A. GRCh37 (hg19) VCF-style: chr2-189963473-G-A.
Other names: c.382C>T (NM_000393.4); short protein forms R128C.
Identifiers: ClinVar variation 1216757 (VCV001216757.13), dbSNP rs1247714244, ClinGen allele CA349863942.

ClinVar aggregate classification (germline): Conflicting classifications of pathogenicity. Review status: criteria provided, conflicting classifications (1 of 4 stars). 6 submissions from 6 submitters: Uncertain significance (4); Likely benign (1). 1 of the submissions does not count toward it. Last evaluated 2026-05-19.

Conditions:
COL5A2-related disorder. Also called: COL5A2-related condition.
Familial thoracic aortic aneurysm and aortic dissection (TAAD). Also called: Thoracic aortic aneurysms and dissections. Identifiers: Orphanet 91387, MedGen C4707243, MONDO:0019625.
Ehlers-Danlos syndrome, classic type, 1 (EDSCL1). Also called: Ehlers-Danlos Syndrome, Classic Type, COL5A1-Related; EDS I; EHLERS-DANLOS SYNDROME, GRAVIS TYPE; EHLERS-DANLOS SYNDROME, SEVERE CLASSIC TYPE; Ehlers-Danlos syndrome, type 1. Identifiers: MedGen C0268335, MONDO:0019567, OMIM 130000.

Allele frequency attached by ClinVar (database versions not stated): gnomAD exomes 0.00001; gnomAD 0.00002; TOPMed 0.00002.
gnomAD v4.1: 17 of 1,612,548 alleles (0.0011%); highest among the groups gnomAD compares: East Asian, 0.0045%; no homozygotes.

Submissions (6):

Women's Health and Genetics/Laboratory Corporation of America, LabCorp
Classification: Uncertain significance. Last evaluated: 2026-05-19. Review status: criteria provided, single submitter. Criteria: LabCorp Variant Classification Summary - May 2015. Collection method: clinical testing. Allele origin: germline.
Comment: Variant summary: COL5A2 c.382C>T (p.Arg128Cys) results in a non-conservative amino acid change in the encoded protein sequence. Algorithms developed to predict the effect of missense changes on protein structure and function all suggest that this variant is likely to be disruptive. The variant allele was found at a frequency of 8e-06 in 251254 control chromosomes (gnomAD). The available data on variant occurrences in the general population are insufficient to allow any conclusion about variant significance. c.382C>T has been observed in at least one individual affected with familial ischemic or hemorrhagic stroke (Chang_2022). The report does not provide unequivocal conclusions about association of the variant with disease. To our knowledge, no experimental evidence demonstrating an impact on protein function has been reported. The following publication have been ascertained in the context of this evaluation (PMID: 36580209). ClinVar contains an entry for this variant (Variation ID: 1216757). Based on the evidence outlined above, the variant was classified as uncertain significance.

Labcorp Genetics (formerly Invitae), Labcorp
Classification: Likely benign for Ehlers-Danlos syndrome, classic type, 1. Last evaluated: 2026-01-02. Review status: criteria provided, single submitter. Criteria: Invitae Variant Classification Sherloc (09022015). Collection method: clinical testing. Allele origin: germline.

GeneDx
Classification: Uncertain significance. Last evaluated: 2025-11-26. Review status: criteria provided, single submitter. Criteria: GeneDx Variant Classification Process June 2021. Collection method: clinical testing. Allele origin: germline. Affected: yes.
Comment: Identified in a cohort with familial stroke, but additional clinical information was not included (PMID: 36580209); Not observed at significant frequency in large population cohorts (gnomAD); In silico analysis suggests that this missense variant does not alter protein structure/function; Not located in the triple helical region, where the majority of pathogenic missense variants occur (PMID: 22696272; HGMD); This variant is associated with the following publications: (PMID: 36580209, 22696272)

Blueprint Genetics
Classification: Uncertain significance. Last evaluated: 2022-04-22. Review status: criteria provided, single submitter. Criteria: ACMG Guidelines, 2015. Collection method: clinical testing. Allele origin: germline.

Ambry Genetics
Classification: Uncertain significance for Familial thoracic aortic aneurysm and aortic dissection. Last evaluated: 2021-08-09. Review status: criteria provided, single submitter. Criteria: Ambry Variant Classification Scheme 2023. Collection method: clinical testing. Allele origin: germline.
Comment: The p.R128C variant (also known as c.382C>T), located in coding exon 5 of the COL5A2 gene, results from a C to T substitution at nucleotide position 382. The arginine at codon 128 is replaced by cysteine, an amino acid with highly dissimilar properties. This amino acid position is highly conserved in available vertebrate species. In addition, this alteration is predicted to be deleterious by in silico analysis. Since supporting evidence is limited at this time, the clinical significance of this alteration remains unclear.

PreventionGenetics, part of Exact Sciences
Classification: Uncertain significance for COL5A2-related condition. Last evaluated: 2024-09-05. Review status: no assertion criteria provided. Collection method: clinical testing. Allele origin: germline. Not counted in ClinVar's aggregate classification.
Comment: The COL5A2 c.382C>T variant is predicted to result in the amino acid substitution p.Arg128Cys. This variant has been reported as a variant of uncertain significance in a cohort of individuals with stroke (Chang et al. 2022. PubMed ID: 36580209). This variant is reported in 0.0033% of alleles in individuals of South Asian descent in gnomAD. At this time, the clinical significance of this variant is uncertain due to the absence of conclusive functional and genetic evidence.

Literature cited by the submitters: PubMed 36580209 (cited by Women's Health and Genetics/Laboratory Corporation of America, LabCorp).